The following is an entry in ClinVar:

NM_001243156.2(TAF1C):c.1738A>G (p.Ser580Gly)

Gene: TAF1C (TATA-box binding protein associated factor, RNA polymerase I subunit C; minus strand). Cytogenetic location: 16q24.1.
Variant type: single nucleotide variant.
Coding change: c.1738A>G on transcript NM_001243156.2 (MANE Select); coding-DNA position 1738, A replaced by G.
Protein change: p.Ser580Gly; replaces serine 580 with glycine.
Molecular consequence: missense variant.
Genome position (GRCh38, 1-based): chr16:84,179,735, T>C on the plus strand (A>G on the coding strand, the complement: TAF1C is on the minus strand). VCF-style: chr16-84179735-T-C. GRCh37 (hg19) VCF-style: chr16-84213341-T-C.
Other names: c.589A>G, p.Ser197Gly (NM_001243159.2); c.385A>G, p.Ser129Gly (NM_001243160.2); c.1816A>G, p.Ser606Gly (NM_005679.4); c.1534A>G, p.Ser512Gly (NM_139353.3); c.820A>G, p.Ser274Gly (NM_001243157.2, NM_001243158.2); c.1816A>G (NM_005679.3); short protein forms S129G, S197G, S274G, S512G, S580G, S606G.
Identifiers: ClinVar variation 3239083 (VCV003239083.20), dbSNP rs369203744.

ClinVar aggregate classification (germline): Uncertain significance. Review status: criteria provided, multiple submitters, no conflicts (2 of 4 stars). 2 submissions from 2 submitters: Uncertain significance (2). Last evaluated 2025-02-12.

Allele frequency attached by ClinVar (database versions not stated): gnomAD exomes 0.00003; TOPMed 0.00004; gnomAD 0.00005; ExAC 0.00006; 1000 Genomes Project 30x 0.00016; 1000 Genomes Project 0.00020; ESP Exome Variant Server 0.00023.
gnomAD v4.1: 52 of 1,611,578 alleles (0.0032%); highest among the groups gnomAD compares: Middle Eastern, 0.017%; no homozygotes.

Submissions (2):

Ambry Genetics
Classification: Uncertain significance. Last evaluated: 2025-02-12. Review status: criteria provided, single submitter. Criteria: Ambry Variant Classification Scheme 2023. Collection method: clinical testing. Allele origin: germline.

CeGaT Center for Human Genetics Tuebingen
Classification: Uncertain significance. Last evaluated: 2024-06-01. Review status: criteria provided, single submitter. Criteria: CeGaT Center For Human Genetics Tuebingen Variant Classification Criteria Version 2. Collection method: clinical testing. Allele origin: germline. Affected: yes. Observed: 1 variant allele.
Comment: TAF1C: PM2, BP4